The following is an entry in ClinVar:

ClinVar aggregate classification (germline): Uncertain significance (1 of 4 stars; one submission).

Conditions:
NRP2-related disorder. Also called: NRP2-related condition.

gnomAD v4.1: 22 of 1,614,016 alleles (0.0014%); highest among the groups gnomAD compares: Admixed American, 0.027%; no homozygotes.

Submission:

PreventionGenetics, part of Exact Sciences
Classification: Uncertain significance for NRP2-related condition. Last evaluated: 2025-09-24. Review status: criteria provided, single submitter. Criteria: ACMG Guidelines, 2015. Collection method: clinical testing. Allele origin: germline.
Comment: The NRP2 c.2279T>C variant is predicted to result in the amino acid substitution p.Ile760Thr. To our knowledge, this variant has not been reported in the literature. This variant is reported in 0.012% of alleles in individuals of Latino descent in gnomAD. At this time, the clinical significance of this variant is uncertain due to the absence of conclusive functional and genetic evidence.

NM_003872.3(NRP2):c.2279T>C (p.Ile760Thr)

Gene: NRP2 (neuropilin 2; plus strand). Cytogenetic location: 2q33.3.
Variant type: single nucleotide variant.
Coding change: c.2279T>C on transcript NM_003872.3 (MANE Select); coding-DNA position 2279, T replaced by C.
Protein change: p.Ile760Thr; replaces isoleucine 760 with threonine.
Molecular consequence: missense variant.
Genome position (GRCh38, 1-based): chr2:205,763,908, T>C. VCF-style: chr2-205763908-T-C. GRCh37 (hg19) VCF-style: chr2-206628632-T-C.
Other names: c.2279T>C, p.Ile760Thr (NM_018534.4, NM_201266.2, NM_201267.2 and 1 more transcripts); short protein forms I760T.
Identifiers: ClinVar variation 3355702 (VCV003355702.2).